The following is an entry in ClinVar:

NM_006885.4(ZFHX3):c.2870A>G (p.Asn957Ser)

Gene: ZFHX3 (zinc finger homeobox 3; minus strand). Cytogenetic location: 16q22.3.
Variant type: single nucleotide variant.
Coding change: c.2870A>G on transcript NM_006885.4 (MANE Select); coding-DNA position 2870, A replaced by G.
Protein change: p.Asn957Ser; replaces asparagine 957 with serine.
Molecular consequence: missense variant.
Genome position (GRCh38, 1-based): chr16:72,950,815, T>C on the plus strand (A>G on the coding strand, the complement: ZFHX3 is on the minus strand). VCF-style: chr16-72950815-T-C. GRCh37 (hg19) VCF-style: chr16-72984714-T-C.
Other names: c.128A>G, p.Asn43Ser (NM_001164766.2); c.2870A>G (NM_006885.3); short protein forms N957S, N43S.
Identifiers: ClinVar variation 3039421 (VCV003039421.4), dbSNP rs143781722, ClinGen allele CA8164264.

ClinVar aggregate classification (germline): Conflicting classifications of pathogenicity. Review status: criteria provided, conflicting classifications (1 of 4 stars). 3 submissions from 3 submitters: Uncertain significance (1); Likely benign (1). 1 of the submissions does not count toward it. Last evaluated 2024-11-25.

Conditions:
ZFHX3-related disorder. Also called: ZFHX3-related condition.

Allele frequency attached by ClinVar (database versions not stated): 1000 Genomes Project 30x 0.00016; 1000 Genomes Project 0.00020; TOPMed 0.00097; gnomAD 0.00103 and 0.00108; gnomAD exomes 0.00143 and 0.00178; ESP Exome Variant Server 0.00146; ExAC 0.00179.
gnomAD v4.1: 2,768 of 1,614,196 alleles (0.17%); highest among the groups gnomAD compares: Non-Finnish European, 0.2%; 5 homozygotes.

Submissions (3):

Blueprint Genetics
Classification: Likely benign. Last evaluated: 2024-11-25. Review status: criteria provided, single submitter. Criteria: ACMG Guidelines, 2015. Collection method: clinical testing. Allele origin: germline.

Breakthrough Genomics
Classification: Uncertain significance. Review status: criteria provided, single submitter. Criteria: ACMG Guidelines, 2015. Collection method: not provided. Allele origin: germline. Inheritance: Autosomal dominant inheritance. Affected: yes.

PreventionGenetics, part of Exact Sciences
Classification: Likely benign for ZFHX3-related condition. Last evaluated: 2022-02-22. Review status: no assertion criteria provided. Collection method: clinical testing. Allele origin: germline. Not counted in ClinVar's aggregate classification.
Comment: This variant is classified as likely benign based on ACMG/AMP sequence variant interpretation guidelines (Richards et al. 2015 PMID: 25741868, with internal and published modifications).